The following is an entry in ClinVar:

NM_000218.3(KCNQ1):c.1795-5C>T

Genes: KCNQ1-AS1 (KCNQ1 antisense RNA 1; minus strand), KCNQ1 (potassium voltage-gated channel subfamily Q member 1; plus strand). Cytogenetic location: 11p15.4.
Variant type: single nucleotide variant.
Coding change: c.1795-5C>T on transcript NM_000218.3 (MANE Select); 5 bases into the intron before coding-DNA position 1795, C replaced by T.
Molecular consequence: intron variant.
Genome position (GRCh38, 1-based): chr11:2,847,762, C>T. VCF-style: chr11-2847762-C-T. GRCh37 (hg19) VCF-style: chr11-2868992-C-T.
Other names: c.1525-5C>T (NM_001406837.1); c.1699-5C>T (NM_001406836.1); c.1255-5C>T (NM_001406838.1); c.1414-5C>T (NM_181798.2); c.307-5C>T (NM_001406839.1).
Identifiers: ClinVar variation 163743 (VCV000163743.15), dbSNP rs727503104, ClinGen allele CA006437.

ClinVar aggregate classification (germline): Conflicting classifications of pathogenicity. Review status: criteria provided, conflicting classifications (1 of 4 stars). 6 submissions from 6 submitters: Uncertain significance (1); Likely benign (4). 1 of the submissions does not count toward it. Last evaluated 2026-07-20.

Conditions:
Cardiovascular phenotype. Identifiers: MedGen CN230736.
KCNQ1-related disorder. Also called: KCNQ1-related disorders; KCNQ1-related condition. Identifiers: MedGen CN239322.
Cardiac arrhythmia. Also called: Cardiac rhythm disease; Arrhythmia. Identifiers: MedGen C0003811, MONDO:0007263, HP:0011675.
Long QT syndrome (LQTS). Identifiers: MedGen C0023976, MeSH D008133, MONDO:0002442. Disease mechanism: loss of function. Inheritance: Various modes of inheritance.

Allele frequency attached by ClinVar (database versions not stated): TOPMed below 0.00001; gnomAD 0.00001; gnomAD exomes 0.00001.
gnomAD v4.1: 16 of 1,572,072 alleles (0.001%); highest among the groups gnomAD compares: Non-Finnish European, 0.0012%; no homozygotes.

Submissions (6):

Ambry Genetics
Classification: Uncertain significance for Cardiovascular phenotype. Last evaluated: 2026-07-20. Review status: criteria provided, single submitter. Criteria: Ambry Variant Classification Scheme 2023. Collection method: clinical testing. Allele origin: germline.
Comment: The c.1795-5C>T intronic variant results from a C to T substitution 5 nucleotides upstream from coding exon 16 in the KCNQ1 gene. This nucleotide position is not well conserved in available vertebrate species. In silico splice site analysis predicts that this alteration will not have any significant effect on splicing. Based on the available evidence, the clinical significance of this variant remains unclear.

Labcorp Genetics (formerly Invitae), Labcorp
Classification: Likely benign for Long QT syndrome. Last evaluated: 2025-10-14. Review status: criteria provided, single submitter. Criteria: Invitae Variant Classification Sherloc (09022015). Collection method: clinical testing. Allele origin: germline.

All of Us Research Program, National Institutes of Health
Classification: Likely benign for Long QT syndrome. Last evaluated: 2023-10-02. Review status: criteria provided, single submitter. Criteria: ACMG Guidelines, 2015. Collection method: clinical testing. Allele origin: germline. Inheritance: Autosomal dominant inheritance. Observed: 3 variant alleles, 3 heterozygotes.
Comment: This study involves interpretation of variants in research participants for the purpose of population health screening. Participant phenotype was not available at the time of variant classification. Additional details can be found in publication PMID: 35346344, PMCID: PMC8962531

Color Diagnostics, LLC DBA Color Health
Classification: Likely benign for Arrhythmia. Last evaluated: 2018-10-30. Review status: criteria provided, single submitter. Criteria: ACMG Guidelines, 2015. Collection method: clinical testing. Allele origin: germline.

Laboratory for Molecular Medicine, Mass General Brigham Personalized Medicine
Classification: Likely benign. Last evaluated: 2014-08-07. Review status: criteria provided, single submitter. Criteria: LMM Criteria. Collection method: clinical testing. Allele origin: germline. Observed: 1 variant allele.
Comment: 1795-5C>T in intron15 of KCNQ1: This variant is not expected to have clinical si gnificance because a "T" at that position does not diverge for the splice site c onsensus sequence and, therefore, is not expected to affect splicing.

PreventionGenetics, part of Exact Sciences
Classification: Likely benign for KCNQ1-related condition. Last evaluated: 2020-12-16. Review status: no assertion criteria provided. Collection method: clinical testing. Allele origin: germline. Not counted in ClinVar's aggregate classification.
Comment: This variant is classified as likely benign based on ACMG/AMP sequence variant interpretation guidelines (Richards et al. 2015 PMID: 25741868, with internal and published modifications).